The following is an entry in ClinVar:

NM_014874.4(MFN2):c.817G>A (p.Val273Met)

Gene: MFN2 (mitofusin 2; plus strand). Cytogenetic location: 1p36.22.
Variant type: single nucleotide variant.
Coding change: c.817G>A on transcript NM_014874.4 (MANE Select); coding-DNA position 817, G replaced by A.
Protein change: p.Val273Met; replaces valine 273 with methionine.
Molecular consequence: missense variant.
Genome position (GRCh38, 1-based): chr1:12,001,401, G>A. VCF-style: chr1-12001401-G-A. GRCh37 (hg19) VCF-style: chr1-12061458-G-A.
Other names: c.817G>A, p.Val273Met (NM_001127660.2); short protein forms V273M.
Identifiers: ClinVar variation 1026729 (VCV001026729.9), dbSNP rs1639165942, ClinGen allele CA338441376.

ClinVar aggregate classification (germline): Uncertain significance. Review status: criteria provided, multiple submitters, no conflicts (2 of 4 stars). 2 submissions from 2 submitters: Uncertain significance (2). Last evaluated 2025-07-23.

Conditions:
Charcot-Marie-Tooth disease type 2. Also called: Charcot-Marie-Tooth type 2. Identifiers: Orphanet 64746, MedGen C0270914, MONDO:0018993.

Allele frequency attached by ClinVar (database versions not stated): gnomAD exomes below 0.00001.
gnomAD v4.1: 1 of 1,613,514 alleles (0.000062%); highest among the groups gnomAD compares: South Asian, 0.0011%; no homozygotes.

Submissions (2):

Women's Health and Genetics/Laboratory Corporation of America, LabCorp
Classification: Uncertain significance. Last evaluated: 2025-07-23. Review status: criteria provided, single submitter. Criteria: LabCorp Variant Classification Summary - May 2015. Collection method: clinical testing. Allele origin: germline.
Comment: Variant summary: MFN2 c.817G>A (p.Val273Met) results in a conservative amino acid change in the encoded protein sequence. Algorithms developed to predict the effect of missense changes on protein structure and function are either unavailable or do not agree on the potential impact of this missense change. Several computational tools predict a significant impact on normal splicing: Three predict the variant weakens a 3' acceptor site. However, these predictions have yet to be confirmed by functional studies. The variant was absent in 250178 control chromosomes (gnomAD). The available data on variant occurrences in the general population are insufficient to allow any conclusion about variant significance. To our knowledge, no occurrence of c.817G>A in individuals affected with Charcot-Marie Disease, Axonal, Autosomal Recessive, Type 2a2b and no experimental evidence demonstrating its impact on protein function have been reported. ClinVar contains an entry for this variant (Variation ID: 1026729). Based on the evidence outlined above, the variant was classified as uncertain significance.

Labcorp Genetics (formerly Invitae), Labcorp
Classification: Uncertain significance for Charcot-Marie-Tooth disease type 2. Last evaluated: 2023-08-22. Review status: criteria provided, single submitter. Criteria: Invitae Variant Classification Sherloc (09022015). Collection method: clinical testing. Allele origin: germline.
Comment: In summary, the available evidence is currently insufficient to determine the role of this variant in disease. Therefore, it has been classified as a Variant of Uncertain Significance. An algorithm developed to predict the effect of missense changes on protein structure and function (PolyPhen-2) suggests that this variant is likely to be disruptive. ClinVar contains an entry for this variant (Variation ID: 1026729). This variant has not been reported in the literature in individuals affected with MFN2-related conditions. This variant is not present in population databases (gnomAD no frequency). This sequence change replaces valine, which is neutral and non-polar, with methionine, which is neutral and non-polar, at codon 273 of the MFN2 protein (p.Val273Met).